The following is an entry in ClinVar:

ClinVar aggregate classification (germline): Uncertain significance. Review status: criteria provided, multiple submitters, no conflicts (2 of 4 stars). 3 submissions from 3 submitters: Uncertain significance (3). Last evaluated 2025-06-03.

Conditions:
Inborn genetic diseases. Identifiers: MedGen C0950123, MeSH D030342.
Frasier syndrome. Identifiers: Orphanet 347, MedGen C0950122, MeSH D052159, MONDO:0007635, OMIM 136680.
Wilms tumor 1 (WT1). Also called: Wilms tumor, somatic. Identifiers: Orphanet 654, MedGen CN033288, MONDO:0008679, OMIM 194070.
11p partial monosomy syndrome (WAGR). Also called: CHROMOSOME 11p13 DELETION SYNDROME; WAGR syndrome; WAGR Spectrum Disorder; WAGR Complex. Identifiers: Orphanet 893, MedGen C0206115, MONDO:0008681, OMIM 194072.
Drash syndrome (DDS). Also called: WILMS TUMOR AND PSEUDO- OR TRUE HERMAPHRODITISM; NEPHROPATHY, WILMS TUMOR, AND GENITAL ANOMALIES. Identifiers: Orphanet 220, MedGen C0950121, MONDO:0008682, OMIM 194080.

Submissions (3):

Ambry Genetics
Classification: Uncertain significance for Inborn genetic diseases. Last evaluated: 2025-06-03. Review status: criteria provided, single submitter. Criteria: Ambry Variant Classification Scheme 2023. Collection method: clinical testing. Allele origin: germline.
Comment: The p.G216C variant (also known as c.646G>T), located in coding exon 1 of the WT1 gene, results from a G to T substitution at nucleotide position 646. The glycine at codon 216 is replaced by cysteine, an amino acid with highly dissimilar properties. However, this change occurs in the last base pair of coding exon 1 and may have some effect on normal mRNA splicing. This nucleotide position is highly conserved in available vertebrate species. In silico splice site analysis predicts that this alteration will not have any significant effect on splicing. This amino acid position is highly conserved in available vertebrate species. In addition, as a missense substitution this is predicted to be deleterious by in silico analysis. Based on the available evidence, the clinical significance of this variant remains unclear.

Labcorp Genetics (formerly Invitae), Labcorp
Classification: Uncertain significance for Wilms tumor 1; Drash syndrome; 11p partial monosomy syndrome; Frasier syndrome. Last evaluated: 2024-10-15. Review status: criteria provided, single submitter. Criteria: Invitae Variant Classification Sherloc (09022015). Collection method: clinical testing. Allele origin: germline.
Comment: This sequence change replaces glycine, which is neutral and non-polar, with cysteine, which is neutral and slightly polar, at codon 216 of the WT1 protein (p.Gly216Cys). This variant also falls at the last nucleotide of exon 1, which is part of the consensus splice site for this exon. This variant is not present in population databases (gnomAD no frequency). This variant has not been reported in the literature in individuals affected with WT1-related conditions. ClinVar contains an entry for this variant (Variation ID: 2143668). An algorithm developed to predict the effect of missense changes on protein structure and function (PolyPhen-2) suggests that this variant is likely to be disruptive. Variants that disrupt the consensus splice site are a relatively common cause of aberrant splicing (PMID: 17576681, 9536098). In summary, the available evidence is currently insufficient to determine the role of this variant in disease. Therefore, it has been classified as a Variant of Uncertain Significance.

GeneDx
Classification: Uncertain significance. Last evaluated: 2024-06-16. Review status: criteria provided, single submitter. Criteria: GeneDx Variant Classification Process June 2021. Collection method: clinical testing. Allele origin: germline. Affected: yes.
Comment: Not observed at significant frequency in large population cohorts (gnomAD); In silico analysis supports that this missense variant has a deleterious effect on protein structure/function; Has not been previously published as pathogenic or benign to our knowledge; This variant is associated with the following publications: (PMID: 8486616)

Literature cited by the submitters: PubMed 17576681 (cited by Labcorp Genetics (formerly Invitae), Labcorp); PubMed 9536098 (cited by Labcorp Genetics (formerly Invitae), Labcorp).

NM_024426.6(WT1):c.661G>T (p.Gly221Cys)

Genes: WT1 (WT1 transcription factor; minus strand), LOC107982234 (WT1/WT1-AS bi-directional promoter region; plus strand). Cytogenetic location: 11p13.
Variant type: single nucleotide variant.
Coding change: c.661G>T on transcript NM_024426.6 (MANE Select); coding-DNA position 661, G replaced by T.
Protein change: p.Gly221Cys; replaces glycine 221 with cysteine.
Molecular consequence: missense variant. On other transcripts: non-coding transcript variant (1).
Genome position (GRCh38, 1-based): chr11:32,434,700, C>A on the plus strand (G>T on the coding strand, the complement: WT1 is on the minus strand). VCF-style: chr11-32434700-C-A. GRCh37 (hg19) VCF-style: chr11-32456246-C-A.
Other names: c.661G>T, p.Gly221Cys (NM_000378.6, NM_001407044.1, NM_001407045.1 and 6 more transcripts); c.646G>T, p.Gly216Cys (NM_024425.2); c.646G>T (NM_024426.4); short protein forms G221C, G216C.
Identifiers: ClinVar variation 2143668 (VCV002143668.7), dbSNP rs1853430900, ClinGen allele CA379964372.
Genomic context (GRCh38, chr11:32,434,700, plus strand): 5'-GAGCGGAGAGTCCCTGGCGCCACTGCCCCGCGCGTAGGGGGCGCTCCCCGGCCTACTTAC[C>A]CTGATTGCGAATAGCGGGCTGGCTCTCGAGGCAGCTGGGCAGGTAGGGCGCGTTAGGAAA-3'
Protein context (NP_077744.4, residues 211-231): LESQPAIRNQ[Gly221Cys]YSTVTFDGTP